The following is an entry in ClinVar:

NM_005810.4(KLRG1):c.*1044A>G

Gene: KLRG1 (killer cell lectin like receptor G1; plus strand). Cytogenetic location: 12p13.31.
Variant type: single nucleotide variant.
Coding change: c.*1044A>G on transcript NM_005810.4 (MANE Select); 1044 bases downstream of the stop codon, A replaced by G.
Molecular consequence: 3 prime UTR variant. On other transcripts: non-coding transcript variant (3).
Genome position (GRCh38, 1-based): chr12:9,010,581, A>G. VCF-style: chr12-9010581-A-G. GRCh37 (hg19) VCF-style: chr12-9163177-A-G.
Other names: c.*553A>G (NM_001329099.2); c.*1044A>G (NM_001329101.2, NM_001329102.2, NM_001329103.2).
Identifiers: ClinVar variation 1279791 (VCV001279791.2), dbSNP rs1805672, ClinGen allele CA15749607.

ClinVar aggregate classification (germline): Benign. Review status: criteria provided, multiple submitters, no conflicts (2 of 4 stars). 2 submissions from 2 submitters: Benign (2). Last evaluated 2021-02-24.

Allele frequency attached by ClinVar (database versions not stated): gnomAD 0.22476 and 0.23266; gnomAD exomes 0.22642; TOPMed 0.23249; 1000 Genomes Project 30x 0.24547; 1000 Genomes Project 0.25000.
gnomAD v4.1: 35,457 of 152,158 alleles (23%); highest among the groups gnomAD compares: East Asian, 37%; 4,863 homozygotes.

Submissions (2):

GeneDx
Classification: Benign. Last evaluated: 2021-02-24. Review status: criteria provided, single submitter. Criteria: GeneDx Variant Classification Process June 2021. Collection method: clinical testing. Allele origin: germline. Affected: yes.
Comment: This variant is associated with the following publications: (PMID: 27424220)

Breakthrough Genomics
Classification: Benign. Review status: criteria provided, single submitter. Criteria: ACMG Guidelines, 2015. Collection method: not provided. Allele origin: germline. Inheritance: Unknown mechanism. Affected: yes.